The following is an entry in ClinVar:

ClinVar aggregate classification (germline): Likely benign (1 of 4 stars; one submission).

Allele frequency attached by ClinVar (database versions not stated): gnomAD exomes below 0.00001.
gnomAD v4.1: 1 of 1,613,170 alleles (0.000062%); highest among the groups gnomAD compares: Non-Finnish European, 0.000085%; no homozygotes.

Submission:

CeGaT Center for Human Genetics Tuebingen
Classification: Likely benign. Last evaluated: 2023-01-01. Review status: criteria provided, single submitter. Criteria: CeGaT Center For Human Genetics Tuebingen Variant Classification Criteria Version 2. Collection method: clinical testing. Allele origin: germline. Affected: yes. Observed: 1 variant allele.
Comment: SIN3A: PM2:Supporting, BP4, BP7

NM_001145358.2(SIN3A):c.810A>G (p.Pro270=)

Gene: SIN3A (SIN3 transcription regulator family member A; minus strand). Cytogenetic location: 15q24.2.
Variant type: single nucleotide variant.
Coding change: c.810A>G on transcript NM_001145358.2 (MANE Select); coding-DNA position 810, A replaced by G.
Protein change: p.Pro270=; no amino-acid change (proline 270 retained).
Molecular consequence: synonymous variant.
Genome position (GRCh38, 1-based): chr15:75,411,690, T>C on the plus strand (A>G on the coding strand, the complement: SIN3A is on the minus strand). VCF-style: chr15-75411690-T-C. GRCh37 (hg19) VCF-style: chr15-75704031-T-C.
Other names: c.810A>G, p.Pro270= (NM_001145357.2, NM_015477.3).
Identifiers: ClinVar variation 2645562 (VCV002645562.24), dbSNP rs1595907701, ClinGen allele CA491251289.